The following is an entry in ClinVar:

NM_017907.3(LAMTOR1):c.420C>T (p.Tyr140=)

Genes: LAMTOR1 (late endosomal/lysosomal adaptor, MAPK and MTOR activator 1; minus strand), LRTOMT (leucine rich transmembrane and O-methyltransferase domain containing; plus strand). Cytogenetic location: 11q13.4.
Variant type: single nucleotide variant.
Coding change: c.420C>T on transcript NM_017907.3 (MANE Select); coding-DNA position 420, C replaced by T.
Protein change: p.Tyr140=; no amino-acid change (tyrosine 140 retained).
Molecular consequence: synonymous variant. On other transcripts: intron variant (3).
Genome position (GRCh38, 1-based): chr11:72,097,888, G>A on the plus strand (C>T on the coding strand, the complement: LAMTOR1 is on the minus strand). VCF-style: chr11-72097888-G-A. GRCh37 (hg19) VCF-style: chr11-71808934-G-A.
Other names: c.34+2792G>A (NM_001145309.4, NM_001145310.4, NM_001145308.5).
Identifiers: ClinVar variation 2642117 (VCV002642117.24), dbSNP rs2499365568, ClinGen allele CA475591064.

ClinVar aggregate classification (germline): Likely benign (1 of 4 stars; one submission).

Allele frequency attached by ClinVar (database versions not stated): gnomAD exomes below 0.00001.
gnomAD v4.1: 1 of 1,608,464 alleles (0.000062%); highest among the groups gnomAD compares: Non-Finnish European, 0.000085%; no homozygotes.

Submission:

CeGaT Center for Human Genetics Tuebingen
Classification: Likely benign. Last evaluated: 2022-10-01. Review status: criteria provided, single submitter. Criteria: CeGaT Center For Human Genetics Tuebingen Variant Classification Criteria Version 2. Collection method: clinical testing. Allele origin: germline. Affected: yes. Observed: 1 variant allele.
Comment: LAMTOR1: PM2:Supporting, BP4, BP7